The following is an entry in ClinVar:

NM_001322934.2(NFKB2):c.1327+1G>A

Genes: NFKB2 (nuclear factor kappa B subunit 2; plus strand), LOC130004599 (ATAC-STARR-seq lymphoblastoid silent region 2756; plus strand). Cytogenetic location: 10q24.32.
Variant type: single nucleotide variant.
Coding change: c.1327+1G>A on transcript NM_001322934.2 (MANE Select); the canonical splice donor site of the intron after coding-DNA position 1327, G replaced by A.
Molecular consequence: splice donor variant.
Genome position (GRCh38, 1-based): chr10:102,399,498, G>A. VCF-style: chr10-102399498-G-A. GRCh37 (hg19) VCF-style: chr10-104159255-G-A.
Other names: c.1327+1G>A (NM_001288724.1, NM_001077494.3, NM_001261403.3 and 1 more transcripts); c.1201+1G>A (NM_001322935.1).
Identifiers: ClinVar variation 2703868 (VCV002703868.3), dbSNP rs2544590638, ClinGen allele CA377899378.

ClinVar aggregate classification (germline): Uncertain significance (1 of 4 stars; one submission).

Conditions:
Immunodeficiency, common variable, 10. Also called: IMMUNODEFICIENCY, COMMON VARIABLE, WITH CENTRAL ADRENAL INSUFFICIENCY; DEFICIT IN ANTERIOR PITUITARY FUNCTION AND VARIABLE IMMUNODEFICIENCY. Identifiers: MedGen C3809991, MONDO:0014260, OMIM 615577.

Submission:

Labcorp Genetics (formerly Invitae), Labcorp
Classification: Uncertain significance for Immunodeficiency, common variable, 10. Last evaluated: 2023-08-05. Review status: criteria provided, single submitter. Criteria: Invitae Variant Classification Sherloc (09022015). Collection method: clinical testing. Allele origin: germline.
Comment: This sequence change affects a donor splice site in intron 13 of the NFKB2 gene. It is expected to disrupt RNA splicing. Variants that disrupt the donor or acceptor splice site typically lead to a loss of protein function (PMID: 16199547), however the current clinical and genetic evidence is not sufficient to establish whether loss-of-function variants in NFKB2 cause disease. This variant is not present in population databases (gnomAD no frequency). This variant has not been reported in the literature in individuals affected with NFKB2-related conditions. Algorithms developed to predict the effect of sequence changes on RNA splicing suggest that this variant may disrupt the consensus splice site. In summary, the available evidence is currently insufficient to determine the role of this variant in disease. Therefore, it has been classified as a Variant of Uncertain Significance.

Literature cited by the submitters: PubMed 16199547.